The following is an entry in ClinVar:

ClinVar aggregate classification (somatic clinical impact): Tier I - Strong (1 of 4 stars; one submission).

Conditions:
Medulloblastoma WNT activated. Identifiers: MedGen C4331965, MONDO:0850196.

Submission:

Institute for Genomic Medicine (IGM) Clinical Laboratory, Nationwide Children's Hospital
Classification: Tier I - Strong for Medulloblastoma WNT activated. Assertion type: diagnostic. Clinical significance: supports diagnosis. Last evaluated: 2022-11-08. Review status: criteria provided, single submitter. Criteria: AMP/ASCO/CAP Guidelines, 2017. Collection method: clinical testing. Allele origin: somatic. Affected: yes.
Comment: Variant has Tier I (strong) clinical significance as a diagnostic inclusion criterion in medulloblastoma WNT activated, based on the following evidence: 1) Documented in one or more cancer databases (e.g., St. Jude Pecan, COSMIC, CIViC, OncoKB). 2) Appears in one or more well-established professional guidelines (e.g., World Health Organization [WHO]; National Comprehensive Cancer Network [NCCN]) as providing diagnostic, prognostic, or therapeutic information. 3) Diagnostic for a specific tumor type/classification based on well-powered studies with expert-level consensus (Evidence Level B).

NM_003072.5(SMARCA4):c.3575G>T (p.Arg1192Leu)

Gene: SMARCA4 (SWI/SNF related BAF chromatin remodeling complex subunit ATPase 4; plus strand). Cytogenetic location: 19p13.2.
Variant type: single nucleotide variant.
Coding change: c.3575G>T on transcript NM_003072.5 (MANE Select); coding-DNA position 3575, G replaced by T.
Protein change: p.Arg1192Leu; replaces arginine 1192 with leucine.
Molecular consequence: missense variant. On other transcripts: non-coding transcript variant (1).
Genome position (GRCh38, 1-based): chr19:11,033,318, G>T. VCF-style: chr19-11033318-G-T. GRCh37 (hg19) VCF-style: chr19-11143994-G-T.
Other names: c.3575G>T, p.Arg1192Leu (NM_001128844.3, NM_001128845.2, NM_001128846.2 and 6 more transcripts); short protein forms R1192L.
Identifiers: ClinVar variation 4530263 (VCV004530263.1).